The following is an entry in ClinVar:

ClinVar aggregate classification (germline): Uncertain significance. Review status: criteria provided, multiple submitters, no conflicts (2 of 4 stars). 2 submissions from 2 submitters: Uncertain significance (2). Last evaluated 2024-07-21.

Conditions:
Ataxia-telangiectasia syndrome (AT). Also called: Cerebello-oculocutaneous telangiectasia; Immunodeficiency with ataxia telangiectasia; AT, COMPLEMENTATION GROUP C; Ataxia-telangiectasia, complementation group E; LOUIS-BAR SYNDROME; ATAXIA-TELANGIECTASIA, COMPLEMENTATION GROUP A. Identifiers: Orphanet 100, MedGen C0004135, MONDO:0008840, OMIM 208900.
Hereditary cancer-predisposing syndrome. Also called: Hereditary neoplastic syndrome; Hereditary Cancer Syndrome; Neoplastic Syndromes, Hereditary; Tumor predisposition. Identifiers: Orphanet 140162, MedGen C0027672, MeSH D009386, MONDO:0015356.

Submissions (2):

Labcorp Genetics (formerly Invitae), Labcorp
Classification: Uncertain significance for Ataxia-telangiectasia syndrome. Last evaluated: 2024-07-21. Review status: criteria provided, single submitter. Criteria: Invitae Variant Classification Sherloc (09022015). Collection method: clinical testing. Allele origin: germline.
Comment: This sequence change replaces alanine, which is neutral and non-polar, with threonine, which is neutral and polar, at codon 1391 of the ATM protein (p.Ala1391Thr). This variant is not present in population databases (gnomAD no frequency). This variant has not been reported in the literature in individuals affected with ATM-related conditions. ClinVar contains an entry for this variant (Variation ID: 1374601). An algorithm developed to predict the effect of missense changes on protein structure and function (PolyPhen-2) suggests that this variant is likely to be tolerated. In summary, the available evidence is currently insufficient to determine the role of this variant in disease. Therefore, it has been classified as a Variant of Uncertain Significance.

Ambry Genetics
Classification: Uncertain significance for Hereditary cancer-predisposing syndrome. Last evaluated: 2023-05-19. Review status: criteria provided, single submitter. Criteria: Ambry Variant Classification Scheme 2023. Collection method: clinical testing. Allele origin: germline.
Comment: The p.A1391T variant (also known as c.4171G>A), located in coding exon 27 of the ATM gene, results from a G to A substitution at nucleotide position 4171. The alanine at codon 1391 is replaced by threonine, an amino acid with similar properties. This amino acid position is not well conserved in available vertebrate species. In addition, this alteration is predicted to be tolerated by in silico analysis. Since supporting evidence is limited at this time, the clinical significance of this alteration remains unclear.

NM_000051.4(ATM):c.4171G>A (p.Ala1391Thr)

Gene: ATM (ATM serine/threonine kinase; plus strand). Cytogenetic location: 11q22.3.
Variant type: single nucleotide variant.
Coding change: c.4171G>A on transcript NM_000051.4 (MANE Select); coding-DNA position 4171, G replaced by A.
Protein change: p.Ala1391Thr; replaces alanine 1391 with threonine.
Molecular consequence: missense variant.
Genome position (GRCh38, 1-based): chr11:108,289,038, G>A. VCF-style: chr11-108289038-G-A. GRCh37 (hg19) VCF-style: chr11-108159765-G-A.
Other names: c.4171G>A, p.Ala1391Thr (NM_001351834.2); short protein forms A1391T.
Identifiers: ClinVar variation 1374601 (VCV001374601.8), dbSNP rs2135752151, ClinGen allele CA382530161.